The following is an entry in ClinVar:

ClinVar aggregate classification (germline): Uncertain significance (1 of 4 stars; one submission).

Conditions:
USH2A-related disorder. Also called: USH2A-related disorders; USH2A-related condition. Identifiers: MedGen CN239332.

Submission:

Myriad Genetics, Inc.
Classification: Uncertain significance for USH2A-related disorder. Last evaluated: 2026-05-19. Review status: criteria provided, single submitter. Criteria: Myriad Autosomal Dominant, Autosomal Recessive and X-Linked Classification Criteria (2023). Collection method: clinical testing. Allele origin: unknown.
Comment: NM_206933.2(USH2A):c.13400C>T(P4467L) is a missense variant classified as a variant of uncertain significance in the context of USH2A-related disorders. P4467L has been observed in cases with relevant disease (PMID: 33090715, 36464167). Relevant functional assessments of this variant are not available in the literature. P4467L has not been observed in referenced population frequency databases. In summary, there is insufficient evidence to classify NM_206933.2(USH2A):c.13400C>T(P4467L) as pathogenic or benign. Please note: this variant was assessed in the context of healthy population screening.

Literature cited by the submitters: PubMed 33090715; PubMed 36464167.

NM_206933.4(USH2A):c.13400C>T (p.Pro4467Leu)

Gene: USH2A (usherin; minus strand). Cytogenetic location: 1q41.
Variant type: single nucleotide variant.
Coding change: c.13400C>T on transcript NM_206933.4 (MANE Select); coding-DNA position 13400, C replaced by T.
Protein change: p.Pro4467Leu; replaces proline 4467 with leucine.
Molecular consequence: missense variant.
Genome position (GRCh38, 1-based): chr1:215,674,511, G>A on the plus strand (C>T on the coding strand, the complement: USH2A is on the minus strand). VCF-style: chr1-215674511-G-A. GRCh37 (hg19) VCF-style: chr1-215847853-G-A.
Other names: short protein forms P4467L.
Identifiers: ClinVar variation 5003808 (VCV005003808.1).